The following is an entry in ClinVar:

ClinVar aggregate classification (germline): Pathogenic (1 of 4 stars; one submission).

Submission:

Labcorp Genetics (formerly Invitae), Labcorp
Classification: Pathogenic. Last evaluated: 2024-01-18. Review status: criteria provided, single submitter. Criteria: Invitae Variant Classification Sherloc (09022015). Collection method: clinical testing. Allele origin: germline.
Comment: This sequence change creates a premature translational stop signal (p.Leu428Trpfs*2) in the TCF12 gene. It is expected to result in an absent or disrupted protein product. Loss-of-function variants in TCF12 are known to be pathogenic (PMID: 23354436, 32620954). This variant is not present in population databases (gnomAD no frequency). This variant has not been reported in the literature in individuals affected with TCF12-related conditions. For these reasons, this variant has been classified as Pathogenic.

Literature cited by the submitters: PubMed 23354436; PubMed 32620954.

NM_207037.2(TCF12):c.1282_1283insGG (p.Leu428fs)

Gene: TCF12 (transcription factor 12; plus strand). Cytogenetic location: 15q21.3.
Variant type: Insertion.
Coding change: c.1282_1283insGG on transcript NM_207037.2 (MANE Select); coding-DNA positions 1282 to 1283, GG inserted.
Protein change: p.Leu428fs; shifts the reading frame from leucine 428.
Molecular consequence: frameshift variant.
Genome position: GRCh38 VCF-style: chr15-57253283-T-TGG. GRCh37 (hg19) VCF-style: chr15-57545481-T-TGG.
Other names: c.772_773insGG, p.Leu258fs (NM_001306219.3); c.502_503insGG, p.Leu168fs (NM_001306220.3); c.1282_1283insGG, p.Leu428fs (NM_001322151.2, NM_001322152.2, NM_001322159.3 and 2 more transcripts); c.625_626insGG, p.Leu209fs (NM_001322154.2); c.1108_1109insGG, p.Leu370fs (NM_001322156.2); c.1210_1211insGG, p.Leu404fs (NM_001322157.3, NM_001322165.2, NM_003205.4 and 1 more transcripts); c.1036_1037insGG, p.Leu346fs (NM_001322158.2); c.1279_1280insGG, p.Leu427fs (NM_001322161.2); and 2 more; short protein forms L234fs, L427fs, L168fs, L209fs, L370fs, L404fs, L346fs, L258fs.
Identifiers: ClinVar variation 2710020 (VCV002710020.3), dbSNP rs2551484806, ClinGen allele CA2697549118.